The following is an entry in ClinVar:

ClinVar aggregate classification (germline): Likely benign. Review status: criteria provided, multiple submitters, no conflicts (2 of 4 stars). 2 submissions from 2 submitters: Likely benign (2). Last evaluated 2018-06-16.

Allele frequency attached by ClinVar (database versions not stated): gnomAD exomes 0.00363; 1000 Genomes Project 30x 0.01249; gnomAD 0.01294 and 0.01356; 1000 Genomes Project 0.01404; TOPMed 0.01533.
gnomAD v4.1: 3,249 of 605,254 alleles (0.54%); highest among the groups gnomAD compares: African/African-American, 4%; 41 homozygotes.

Submissions (2):

GeneDx
Classification: Likely benign. Last evaluated: 2018-06-16. Review status: criteria provided, single submitter. Criteria: GeneDx Variant Classification (06012015). Collection method: clinical testing. Allele origin: germline. Affected: yes.
Comment: This variant is considered likely benign or benign based on one or more of the following criteria: it is a conservative change, it occurs at a poorly conserved position in the protein, it is predicted to be benign by multiple in silico algorithms, and/or has population frequency not consistent with disease.

Breakthrough Genomics
Classification: Likely benign. Review status: criteria provided, single submitter. Criteria: ACMG Guidelines, 2015. Collection method: not provided. Allele origin: germline. Inheritance: X-linked inheritance. Affected: yes.

NM_004208.4(AIFM1):c.782-124C>T

Genes: AIFM1 (apoptosis inducing factor mitochondria associated 1; minus strand), RAB33A (RAB33A, member RAS oncogene family; plus strand). Cytogenetic location: Xq26.1.
Variant type: single nucleotide variant.
Coding change: c.782-124C>T on transcript NM_004208.4 (MANE Select); 124 bases into the intron before coding-DNA position 782, C replaced by T.
Molecular consequence: intron variant.
Genome position (GRCh38, 1-based): chrX:130,139,995, G>A on the plus strand (C>T on the coding strand, the complement: AIFM1 is on the minus strand). VCF-style: chrX-130139995-G-A. GRCh37 (hg19) VCF-style: chrX-129273970-G-A.
Other names: c.770-124C>T (NM_145812.3); c.782-124C>T (NM_001130847.4).
Identifiers: ClinVar variation 678375 (VCV000678375.2), dbSNP rs143633021, ClinGen allele CA335119947.